The following is an entry in ClinVar:

NM_001267550.2(TTN):c.69414T>A (p.Gly23138=)

Genes: TTN (titin; minus strand), TTN-AS1 (TTN antisense RNA 1; plus strand). Cytogenetic location: 2q31.2.
Variant type: single nucleotide variant.
Coding change: c.69414T>A on transcript NM_001267550.2 (MANE Select); coding-DNA position 69414, T replaced by A.
Protein change: p.Gly23138=; no amino-acid change (glycine 23138 retained).
Molecular consequence: synonymous variant.
Genome position (GRCh38, 1-based): chr2:178,576,830, A>T on the plus strand (T>A on the coding strand, the complement: TTN is on the minus strand). VCF-style: chr2-178576830-A-T. GRCh37 (hg19) VCF-style: chr2-179441557-A-T.
Other names: c.64491T>A, p.Gly21497= (NM_001256850.1); c.42219T>A, p.Gly14073= (NM_003319.4); c.61710T>A, p.Gly20570= (NM_133378.4); c.42594T>A, p.Gly14198= (NM_133432.3); c.42795T>A, p.Gly14265= (NM_133437.4).
Identifiers: ClinVar variation 4856955 (VCV004856955.2).

ClinVar aggregate classification (germline): Likely benign (1 of 4 stars; one submission).

Submission:

Dasa
Classification: Likely benign. Last evaluated: 2025-03-22. Review status: criteria provided, single submitter. Criteria: DASA Assertion Criteria. Collection method: clinical testing. Allele origin: germline.
Comment: NM_001267550.2(TTN):c.69414T>A (p.Gly23138=) is a synonymous variant predicted not to alter the encoded amino acid sequence. Computational prediction algorithms are consistent with a benign effect. Therefore, based on the currently available evidence, this variant is classified as likely benign.